The following is an entry in ClinVar:

NM_002299.4(LCT):c.472G>A (p.Ala158Thr)

Gene: LCT (lactase; minus strand). Cytogenetic location: 2q21.3.
Variant type: single nucleotide variant.
Coding change: c.472G>A on transcript NM_002299.4 (MANE Select); coding-DNA position 472, G replaced by A.
Protein change: p.Ala158Thr; replaces alanine 158 with threonine.
Molecular consequence: missense variant.
Genome position (GRCh38, 1-based): chr2:135,836,698, C>T on the plus strand (G>A on the coding strand, the complement: LCT is on the minus strand). VCF-style: chr2-135836698-C-T. GRCh37 (hg19) VCF-style: chr2-136594268-C-T.
Other names: short protein forms A158T.
Identifiers: ClinVar variation 1940437 (VCV001940437.5), dbSNP rs746281788, ClinGen allele CA56640389.
Genomic context (GRCh38, chr2:135,836,698, plus strand): 5'-CTTCCTCCAAGTCACTGAAGGTGAACCAGATCCCAACTAGGTCCCCGAAGGAGTGGAAGG[C>T]GAATGTGGCATAGTCGGCGAAGAGGTCAGCAAAGGCTTCGGTTCTCCGGAGGGTGCTGGC-3'
Protein context (NP_002290.2, residues 148-168): ADLFADYATF[Ala158Thr]FHSFGDLVGI

ClinVar aggregate classification (germline): Uncertain significance (1 of 4 stars; one submission).

gnomAD v4.1: 16 of 1,613,966 alleles (0.00099%); highest among the groups gnomAD compares: Admixed American, 0.012%; no homozygotes.

Submission:

Labcorp Genetics (formerly Invitae), Labcorp
Classification: Uncertain significance. Last evaluated: 2024-08-17. Review status: criteria provided, single submitter. Criteria: Invitae Variant Classification Sherloc (09022015). Collection method: clinical testing. Allele origin: germline.
Comment: This sequence change replaces alanine, which is neutral and non-polar, with threonine, which is neutral and polar, at codon 158 of the LCT protein (p.Ala158Thr). This variant is present in population databases (no rsID available, gnomAD 0.006%). This variant has not been reported in the literature in individuals affected with LCT-related conditions. ClinVar contains an entry for this variant (Variation ID: 1940437). An algorithm developed to predict the effect of missense changes on protein structure and function (PolyPhen-2) suggests that this variant is likely to be disruptive. In summary, the available evidence is currently insufficient to determine the role of this variant in disease. Therefore, it has been classified as a Variant of Uncertain Significance.